The following is an entry in ClinVar:

NM_138459.5(NUS1):c.92G>A (p.Gly31Asp)

Gene: NUS1 (NUS1 dehydrodolichyl diphosphate synthase subunit; plus strand). Cytogenetic location: 6q22.1.
Variant type: single nucleotide variant.
Coding change: c.92G>A on transcript NM_138459.5 (MANE Select); coding-DNA position 92, G replaced by A.
Protein change: p.Gly31Asp; replaces glycine 31 with aspartic acid.
Molecular consequence: missense variant.
Genome position (GRCh38, 1-based): chr6:117,675,762, G>A. VCF-style: chr6-117675762-G-A. GRCh37 (hg19) VCF-style: chr6-117996925-G-A.
Other names: short protein forms G31D.
Identifiers: ClinVar variation 4881239 (VCV004881239.2).

ClinVar aggregate classification (germline): Uncertain significance (1 of 4 stars; one submission).

Submission:

Dasa
Classification: Uncertain significance. Last evaluated: 2025-06-27. Review status: criteria provided, single submitter. Criteria: DASA Assertion Criteria. Collection method: clinical testing. Allele origin: germline.
Comment: NM_138459.5(NUS1):c.92G>A (p.Gly31Asp) is a missense variant that results in the substitution of glycine with aspartic acid. This variant is rare in population databases. Computational prediction algorithms are consistent with a benign effect. The currently available literature and clinical evidence are not sufficient to establish a definitive association between this variant and the reported condition. Therefore, this variant is classified as a variant of uncertain significance.